The following is an entry in ClinVar:

ClinVar aggregate classification (germline): Uncertain significance. Review status: criteria provided, multiple submitters, no conflicts (2 of 4 stars). 4 submissions from 4 submitters: Uncertain significance (4). Last evaluated 2024-02-08.

Conditions:
Combined immunodeficiency due to ZAP70 deficiency (IMD48). Also called: Immunodeficiency 48; ZAP70 Deficiency. Identifiers: Orphanet 911, MedGen C2931299, MONDO:0010023, OMIM 269840.
Autoimmune disease, multisystem, infantile-onset, 2 (ADMIO2). Identifiers: MedGen C4310768, MONDO:0014861, OMIM 617006.

Allele frequency attached by ClinVar (database versions not stated): gnomAD 0.00002 and 0.00001; ESP Exome Variant Server 0.00008; TOPMed 0.00002.
gnomAD v4.1: 54 of 1,614,020 alleles (0.0033%); highest among the groups gnomAD compares: East Asian, 0.0067%; no homozygotes.

Submissions (4):

Blueprint Genetics
Classification: Uncertain significance. Last evaluated: 2024-02-08. Review status: criteria provided, single submitter. Criteria: ACMG Guidelines, 2015. Collection method: clinical testing. Allele origin: germline.

Labcorp Genetics (formerly Invitae), Labcorp
Classification: Uncertain significance for Combined immunodeficiency due to ZAP70 deficiency. Last evaluated: 2022-08-26. Review status: criteria provided, single submitter. Criteria: Invitae Variant Classification Sherloc (09022015). Collection method: clinical testing. Allele origin: germline.
Comment: This sequence change replaces threonine, which is neutral and polar, with methionine, which is neutral and non-polar, at codon 231 of the ZAP70 protein (p.Thr231Met). This variant is present in population databases (rs141613906, gnomAD 0.006%). This variant has not been reported in the literature in individuals affected with ZAP70-related conditions. ClinVar contains an entry for this variant (Variation ID: 1033248). Algorithms developed to predict the effect of missense changes on protein structure and function are either unavailable or do not agree on the potential impact of this missense change (SIFT: "Not Available"; PolyPhen-2: "Probably Damaging"; Align-GVGD: "Not Available"). In summary, the available evidence is currently insufficient to determine the role of this variant in disease. Therefore, it has been classified as a Variant of Uncertain Significance.

GeneDx
Classification: Uncertain significance. Last evaluated: 2019-08-26. Review status: criteria provided, single submitter. Criteria: GeneDx Variant Classification Process June 2021. Collection method: clinical testing. Allele origin: germline. Affected: yes.
Comment: In silico analysis, which includes protein predictors and evolutionary conservation, supports a deleterious effect; Has not been previously published as pathogenic or benign to our knowledge

Baylor Genetics
Classification: Uncertain significance for Autoimmune disease, multisystem, infantile-onset, 2. Last evaluated: 2018-06-20. Review status: criteria provided, single submitter. Criteria: ACMG Guidelines, 2015. Collection method: clinical testing. Allele origin: maternal. Affected: yes.
Comment: This variant was determined to be of uncertain significance according to ACMG Guidelines, 2015 [PMID:25741868].

NM_001079.4(ZAP70):c.692C>T (p.Thr231Met)

Gene: ZAP70 (zeta chain of T cell receptor associated protein kinase 70; plus strand). Cytogenetic location: 2q11.2.
Variant type: single nucleotide variant.
Coding change: c.692C>T on transcript NM_001079.4 (MANE Select); coding-DNA position 692, C replaced by T.
Protein change: p.Thr231Met; replaces threonine 231 with methionine.
Molecular consequence: missense variant.
Genome position (GRCh38, 1-based): chr2:97,733,011, C>T. VCF-style: chr2-97733011-C-T. GRCh37 (hg19) VCF-style: chr2-98349474-C-T.
Other names: c.692C>T, p.Thr231Met (NM_001378594.1); short protein forms T231M.
Identifiers: ClinVar variation 1033248 (VCV001033248.5), dbSNP rs141613906, ClinGen allele CA1790170.